The following is an entry in ClinVar:

ClinVar aggregate classification (germline): Uncertain significance. Review status: criteria provided, multiple submitters, no conflicts (2 of 4 stars). 2 submissions from 2 submitters: Uncertain significance (2). Last evaluated 2024-10-16.

Conditions:
Developmental delay, hypotonia, musculoskeletal defects, and behavioral abnormalities. Identifiers: MedGen C5562012, MONDO:0859202, OMIM 619595.
Floating-Harbor syndrome (FLHS). Also called: Short stature with delayed bone age, expressive language delay, a triangular face with a prominent nose and deep-set eyes; Pelletier-Leisti syndrome; SRCAP-Related Floating-Harbor Syndrome. Identifiers: Orphanet 2044, MedGen C0729582, MONDO:0007621, OMIM 136140.

Allele frequency attached by ClinVar (database versions not stated): gnomAD 0.00005.
gnomAD v4.1: 48 of 1,613,690 alleles (0.003%); highest among the groups gnomAD compares: East Asian, 0.025%; no homozygotes.

Submissions (2):

Labcorp Genetics (formerly Invitae), Labcorp
Classification: Uncertain significance. Last evaluated: 2024-10-16. Review status: criteria provided, single submitter. Criteria: Invitae Variant Classification Sherloc (09022015). Collection method: clinical testing. Allele origin: germline.
Comment: This sequence change replaces threonine, which is neutral and polar, with alanine, which is neutral and non-polar, at codon 1540 of the SRCAP protein (p.Thr1540Ala). This variant is present in population databases (rs200086013, gnomAD 0.02%). This variant has not been reported in the literature in individuals affected with SRCAP-related conditions. ClinVar contains an entry for this variant (Variation ID: 2173085). Invitae Evidence Modeling of protein sequence and biophysical properties (such as structural, functional, and spatial information, amino acid conservation, physicochemical variation, residue mobility, and thermodynamic stability) indicates that this missense variant is not expected to disrupt SRCAP protein function with a negative predictive value of 80%. In summary, the available evidence is currently insufficient to determine the role of this variant in disease. Therefore, it has been classified as a Variant of Uncertain Significance.

Fulgent Genetics
Classification: Uncertain significance for Floating-Harbor syndrome; Developmental delay, hypotonia, musculoskeletal defects, and behavioral abnormalities. Last evaluated: 2024-05-23. Review status: criteria provided, single submitter. Criteria: ACMG Guidelines, 2015. Collection method: clinical testing. Allele origin: germline.

NM_006662.3(SRCAP):c.4618A>G (p.Thr1540Ala)

Gene: SRCAP (Snf2 related CREBBP activator protein; plus strand). Cytogenetic location: 16p11.2.
Variant type: single nucleotide variant.
Coding change: c.4618A>G on transcript NM_006662.3 (MANE Select); coding-DNA position 4618, A replaced by G.
Protein change: p.Thr1540Ala; replaces threonine 1540 with alanine.
Molecular consequence: missense variant.
Genome position (GRCh38, 1-based): chr16:30,724,042, A>G. VCF-style: chr16-30724042-A-G. GRCh37 (hg19) VCF-style: chr16-30735363-A-G.
Other names: short protein forms T1540A.
Identifiers: ClinVar variation 2173085 (VCV002173085.4), dbSNP rs200086013, ClinGen allele CA8011785.
Genomic context (GRCh38, chr16:30,724,042, plus strand): 5'-ACACCTGGTCACCCTCTGTTGTTGGCTCCCACCTCTTCACATGTTCCAGGGTTGAACTCA[A>G]CCGTGGCCCCAGCATGCTCACCTGTCCTGGTGCCAGCTTCGGCTCTGGCCAGTCCTTTTC-3'
Protein context (NP_006653.2, residues 1530-1550): TSSHVPGLNS[Thr1540Ala]VAPACSPVLV